The following is an entry in ClinVar:

NM_001136193.2(FASTKD2):c.1371A>G (p.Leu457=)

Gene: FASTKD2 (FAST kinase domains 2; plus strand). Cytogenetic location: 2q33.3.
Variant type: single nucleotide variant.
Coding change: c.1371A>G on transcript NM_001136193.2 (MANE Select); coding-DNA position 1371, A replaced by G.
Protein change: p.Leu457=; no amino-acid change (leucine 457 retained).
Molecular consequence: synonymous variant.
Genome position (GRCh38, 1-based): chr2:206,774,341, A>G. VCF-style: chr2-206774341-A-G. GRCh37 (hg19) VCF-style: chr2-207639065-A-G.
Other names: c.1371A>G, p.Leu457= (NM_001136194.2, NM_014929.4).
Identifiers: ClinVar variation 3049610 (VCV003049610.2), dbSNP rs781255555, ClinGen allele CA2075133.

ClinVar aggregate classification (germline): Likely benign (0 of 4 stars; one submission).

Conditions:
FASTKD2-related disorder. Also called: FASTKD2-related condition.

Allele frequency attached by ClinVar (database versions not stated): ExAC 0.00001; TOPMed 0.00001; gnomAD 0.00002; gnomAD exomes 0.00002.
gnomAD v4.1: 28 of 1,602,186 alleles (0.0017%); highest among the groups gnomAD compares: Admixed American, 0.005%; no homozygotes.

Submission:

PreventionGenetics, part of Exact Sciences
Classification: Likely benign for FASTKD2-related condition. Last evaluated: 2019-07-12. Review status: no assertion criteria provided. Collection method: clinical testing. Allele origin: germline.
Comment: This variant is classified as likely benign based on ACMG/AMP sequence variant interpretation guidelines (Richards et al. 2015 PMID: 25741868, with internal and published modifications).